The following is an entry in ClinVar:

NM_002907.4(RECQL):c.1205G>C (p.Ser402Thr)

Gene: RECQL (RecQ like helicase; minus strand). Cytogenetic location: 12p12.1.
Variant type: single nucleotide variant.
Coding change: c.1205G>C on transcript NM_002907.4 (MANE Select); coding-DNA position 1205, G replaced by C.
Protein change: p.Ser402Thr; replaces serine 402 with threonine.
Molecular consequence: missense variant.
Genome position (GRCh38, 1-based): chr12:21,475,479, C>G on the plus strand (G>C on the coding strand, the complement: RECQL is on the minus strand). VCF-style: chr12-21475479-C-G. GRCh37 (hg19) VCF-style: chr12-21628413-C-G.
Other names: c.1205G>C, p.Ser402Thr (NM_032941.3); short protein forms S402T.
Identifiers: ClinVar variation 4742802 (VCV004742802.1).

ClinVar aggregate classification (germline): Uncertain significance (1 of 4 stars; one submission).

gnomAD v4.1: 5 of 1,608,030 alleles (0.00031%); highest among the groups gnomAD compares: Non-Finnish European, 0.00043%; no homozygotes.

Submission:

Labcorp Genetics (formerly Invitae), Labcorp
Classification: Uncertain significance. Last evaluated: 2025-11-05. Review status: criteria provided, single submitter. Criteria: Invitae Variant Classification Sherloc (09022015). Collection method: clinical testing. Allele origin: germline.
Comment: This sequence change replaces serine, which is neutral and polar, with threonine, which is neutral and polar, at codon 402 of the RECQL protein (p.Ser402Thr). This variant is present in population databases (no rsID available, gnomAD 0.0009%). This variant has not been reported in the literature in individuals affected with RECQL-related conditions. Invitae Evidence Modeling of protein sequence and biophysical properties (such as structural, functional, and spatial information, amino acid conservation, physicochemical variation, residue mobility, and thermodynamic stability) indicates that this missense variant is not expected to disrupt RECQL protein function with a negative predictive value of 80%. In summary, the available evidence is currently insufficient to determine the role of this variant in disease. Therefore, it has been classified as a Variant of Uncertain Significance.